The following is an entry in ClinVar:

ClinVar aggregate classification (germline): Uncertain significance (1 of 4 stars; one submission).

Conditions:
Werner syndrome (WRN). Identifiers: Orphanet 902, MedGen C0043119, MONDO:0010196, OMIM 277700.

Allele frequency attached by ClinVar (database versions not stated): gnomAD exomes below 0.00001.
gnomAD v4.1: 1 of 1,614,064 alleles (0.000062%); highest among the groups gnomAD compares: African/African-American, 0.0013%; no homozygotes.

Submission:

Labcorp Genetics (formerly Invitae), Labcorp
Classification: Uncertain significance for Werner syndrome. Last evaluated: 2022-11-04. Review status: criteria provided, single submitter. Criteria: Invitae Variant Classification Sherloc (09022015). Collection method: clinical testing. Allele origin: germline.
Comment: In summary, the available evidence is currently insufficient to determine the role of this variant in disease. Therefore, it has been classified as a Variant of Uncertain Significance. Algorithms developed to predict the effect of missense changes on protein structure and function are either unavailable or do not agree on the potential impact of this missense change (SIFT: "Not Available"; PolyPhen-2: "Benign"; Align-GVGD: "Not Available"). This variant has not been reported in the literature in individuals affected with WRN-related conditions. This variant is present in population databases (no rsID available, gnomAD 0.01%). This sequence change replaces histidine, which is basic and polar, with arginine, which is basic and polar, at codon 341 of the WRN protein (p.His341Arg).

NM_000553.6(WRN):c.1022A>G (p.His341Arg)

Gene: WRN (WRN RecQ like helicase; plus strand). Cytogenetic location: 8p12.
Variant type: single nucleotide variant.
Coding change: c.1022A>G on transcript NM_000553.6 (MANE Select); coding-DNA position 1022, A replaced by G.
Protein change: p.His341Arg; replaces histidine 341 with arginine.
Molecular consequence: missense variant.
Genome position (GRCh38, 1-based): chr8:31,081,049, A>G. VCF-style: chr8-31081049-A-G. GRCh37 (hg19) VCF-style: chr8-30938565-A-G.
Other names: short protein forms H341R.
Identifiers: ClinVar variation 2988817 (VCV002988817.3), dbSNP rs1251559215, ClinGen allele CA370920288.